The following is an entry in ClinVar:

ClinVar aggregate classification (germline): Likely benign (1 of 4 stars; one submission).

Submission:

CeGaT Center for Human Genetics Tuebingen
Classification: Likely benign. Last evaluated: 2022-05-01. Review status: criteria provided, single submitter. Criteria: CeGaT Center For Human Genetics Tuebingen Variant Classification Criteria Version 2. Collection method: clinical testing. Allele origin: germline. Affected: yes. Observed: 1 variant allele.
Comment: NDUFS7: PM2:Supporting, BP4, BP7

NM_024407.5(NDUFS7):c.327C>G (p.Val109=)

Gene: NDUFS7 (NADH:ubiquinone oxidoreductase core subunit S7; plus strand). Cytogenetic location: 19p13.3.
Variant type: single nucleotide variant.
Coding change: c.327C>G on transcript NM_024407.5 (MANE Select); coding-DNA position 327, C replaced by G.
Protein change: p.Val109=; no amino-acid change (valine 109 retained).
Molecular consequence: synonymous variant.
Genome position (GRCh38, 1-based): chr19:1,390,969, C>G. VCF-style: chr19-1390969-C-G. GRCh37 (hg19) VCF-style: chr19-1390968-C-G.
Other names: c.327C>G, p.Val109= (NM_001363602.2).
Identifiers: ClinVar variation 2648912 (VCV002648912.24), dbSNP rs150286318, ClinGen allele CA504895043.
Genomic context (GRCh38, chr19:1,390,969, plus strand): 5'-CGCCGTGGAGATGATGCACATGGCAGCACCCCGCTACGACATGGACCGCTTTGGCGTGGT[C>G]TTCCGCGCCAGCCCGCGCCAGTCCGACGTCATGATCGTGGCCGGCACACTCACCAACAAG-3'
Protein context (NP_077718.3, residues 99-119): PRYDMDRFGV[Val109=]FRASPRQSDV